The following is an entry in ClinVar:

NM_001365902.3(NFIX):c.286_300del (p.Thr96_Pro100del)

Gene: NFIX (nuclear factor I X; plus strand). Cytogenetic location: 19p13.13.
Variant type: Deletion.
Coding change: c.286_300del on transcript NM_001365902.3 (MANE Select); coding-DNA positions 286 to 300, 15 bases deleted (ACGGGCAAGAAGCCC).
Protein change: p.Thr96_Pro100del.
Molecular consequence: inframe deletion.
Genome position (GRCh38, 1-based): chr19:13,025,279-13,025,293, ACGGGCAAGAAGCCC deleted; deleting any 15 consecutive bases within chr19:13,025,278-13,025,293 gives the same sequence; the c. name uses the placement nearest the transcript's 3' end. VCF-style (leftmost placement, unchanged base first): chr19-13025277-TCACGGGCAAGAAGCC-T. GRCh37 (hg19) VCF-style: chr19-13136091-TCACGGGCAAGAAGCC-T.
Other names: c.310_324del, p.Thr104_Pro108del (NM_001271043.2); c.262_276del, p.Thr88_Pro92del (NM_001271044.3, NM_001378404.1); c.286_300del, p.Thr96_Pro100del (NM_001365982.2, NM_002501.4); c.145_159del, p.Thr49_Pro53del (NM_001365983.2); c.283_297del, p.Thr95_Pro99del (NM_001365984.2, NM_001365985.2); c.334_348del, p.Thr112_Pro116del (NM_001378405.1).
Identifiers: ClinVar variation 1352303 (VCV001352303.6), dbSNP rs2145192209, ClinGen allele CA2573156010.

ClinVar aggregate classification (germline): Uncertain significance (1 of 4 stars; one submission).

Conditions:
Marshall-Smith syndrome (MRSHSS). Identifiers: Orphanet 561, MedGen C0265211, MONDO:0011244, OMIM 602535.
Malan overgrowth syndrome (MALNS). Also called: NFIX-Related Malan Syndrome; MALAN SYNDROME; Sotos syndrome 2. Identifiers: Orphanet 420179, MedGen C3553660, MONDO:0013885, OMIM 614753.

Submission:

Labcorp Genetics (formerly Invitae), Labcorp
Classification: Uncertain significance for Malan overgrowth syndrome; Marshall-Smith syndrome. Last evaluated: 2023-10-03. Review status: criteria provided, single submitter. Criteria: Invitae Variant Classification Sherloc (09022015). Collection method: clinical testing. Allele origin: germline.
Comment: This variant, c.310_324del, results in the deletion of 5 amino acid(s) of the NFIX protein (p.Thr104_Pro108del), but otherwise preserves the integrity of the reading frame. This variant is not present in population databases (gnomAD no frequency). This variant has been observed in individual(s) with clinical features of NFIX-related conditions (Invitae). ClinVar contains an entry for this variant (Variation ID: 1352303). Experimental studies and prediction algorithms are not available or were not evaluated, and the functional significance of this variant is currently unknown. In summary, the available evidence is currently insufficient to determine the role of this variant in disease. Therefore, it has been classified as a Variant of Uncertain Significance.